The following is an entry in ClinVar:

NM_000059.4(BRCA2):c.5093T>A (p.Phe1698Tyr)

Gene: BRCA2 (BRCA2 DNA repair associated; plus strand). Cytogenetic location: 13q13.1.
Variant type: single nucleotide variant.
Coding change: c.5093T>A on transcript NM_000059.4 (MANE Select); coding-DNA position 5093, T replaced by A.
Protein change: p.Phe1698Tyr; replaces phenylalanine 1698 with tyrosine.
Molecular consequence: missense variant. On other transcripts: non-coding transcript variant (1), intron variant (2).
Genome position (GRCh38, 1-based): chr13:32,339,448, T>A. VCF-style: chr13-32339448-T-A. GRCh37 (hg19) VCF-style: chr13-32913585-T-A.
Other names: c.5093T>A, p.Phe1698Tyr (NM_001406719.1, NM_001406720.1, NM_001432077.1); c.1910-5110T>A (NM_001406721.1); c.425-5110T>A (NM_001406722.1); short protein forms F1698Y.
Identifiers: ClinVar variation 4629361 (VCV004629361.1).

ClinVar aggregate classification (germline): Uncertain significance (1 of 4 stars; one submission).

Conditions:
Hereditary cancer-predisposing syndrome. Also called: Neoplastic Syndromes, Hereditary; Tumor predisposition; Hereditary Cancer Syndrome; Hereditary neoplastic syndrome. Identifiers: Orphanet 140162, MedGen C0027672, MeSH D009386, MONDO:0015356.

Submission:

Ambry Genetics
Classification: Uncertain significance for Hereditary cancer-predisposing syndrome. Last evaluated: 2025-11-25. Review status: criteria provided, single submitter. Criteria: Ambry Variant Classification Scheme 2023. Collection method: clinical testing. Allele origin: germline.
Comment: The p.F1698Y variant (also known as c.5093T>A), located in coding exon 10 of the BRCA2 gene, results from a T to A substitution at nucleotide position 5093. The phenylalanine at codon 1698 is replaced by tyrosine, an amino acid with highly similar properties. This amino acid position is conserved. In addition, this alteration is predicted to be tolerated by in silico analysis. Based on the available evidence, the clinical significance of this variant remains unclear.